The following is an entry in ClinVar:

NM_002755.4(MAP2K1):c.793C>T (p.Pro265Ser)

Gene: MAP2K1 (mitogen-activated protein kinase kinase 1; plus strand). Cytogenetic location: 15q22.31.
Variant type: single nucleotide variant.
Coding change: c.793C>T on transcript NM_002755.4 (MANE Select); coding-DNA position 793, C replaced by T.
Protein change: p.Pro265Ser; replaces proline 265 with serine.
Molecular consequence: missense variant.
Genome position (GRCh38, 1-based): chr15:66,485,089, C>T. VCF-style: chr15-66485089-C-T. GRCh37 (hg19) VCF-style: chr15-66777427-C-T.
Other names: short protein forms P265S.
Identifiers: ClinVar variation 561346 (VCV000561346.10), dbSNP rs1567025858, ClinGen allele CA392937202.
Genomic context (GRCh38, chr15:66,485,089, plus strand): 5'-GACATCTGGAGCATGGGACTGTCTCTGGTAGAGATGGCGGTTGGGAGGTATCCCATCCCT[C>T]CTCCAGATGCCAAGGAGCTGGAGCTGATGTTTGGGTGCCAGGTGGAAGGAGATGCGGCTG-3'
Protein context (NP_002746.1, residues 255-275): EMAVGRYPIP[Pro265Ser]PDAKELELMF

ClinVar aggregate classification (germline): Uncertain significance. Review status: criteria provided, multiple submitters, no conflicts (2 of 4 stars). 2 submissions from 2 submitters: Uncertain significance (2). Last evaluated 2025-12-27.

Conditions:
RASopathy. Also called: rasopathies; Noonan spectrum disorder. Identifiers: Orphanet 536391, MedGen C5555857, MONDO:0021060.

Allele frequency attached by ClinVar (database versions not stated): gnomAD exomes 0.00001.
gnomAD v4.1: 8 of 1,613,980 alleles (0.0005%); highest among the groups gnomAD compares: Non-Finnish European, 0.00068%; no homozygotes.

Submissions (2):

Labcorp Genetics (formerly Invitae), Labcorp
Classification: Uncertain significance for RASopathy. Last evaluated: 2025-12-27. Review status: criteria provided, single submitter. Criteria: Invitae Variant Classification Sherloc (09022015). Collection method: clinical testing. Allele origin: germline.
Comment: This sequence change replaces proline, which is neutral and non-polar, with serine, which is neutral and polar, at codon 265 of the MAP2K1 protein (p.Pro265Ser). This variant is not present in population databases (gnomAD no frequency). This variant has not been reported in the literature in individuals affected with MAP2K1-related conditions. ClinVar contains an entry for this variant (Variation ID: 561346). Invitae Evidence Modeling of protein sequence and biophysical properties (such as structural, functional, and spatial information, amino acid conservation, physicochemical variation, residue mobility, and thermodynamic stability) has been performed for this missense variant. However, the output from this modeling did not meet the statistical confidence thresholds required to predict the impact of this variant on MAP2K1 protein function. In summary, the available evidence is currently insufficient to determine the role of this variant in disease. Therefore, it has been classified as a Variant of Uncertain Significance.

GeneDx
Classification: Uncertain significance. Last evaluated: 2017-12-07. Review status: criteria provided, single submitter. Criteria: GeneDx Variant Classification (06012015). Collection method: clinical testing. Allele origin: germline. Affected: yes.
Comment: The P265S variant in the MAP2K1 gene has not been reported previously as a pathogenic variant, nor as a benign variant, to our knowledge. This variant is not observed in large population cohorts (Lek et al., 2016). The P265S variant is a non-conservative amino acid substitution, which is likely to impact secondary protein structure as these residues differ in polarity, charge, size and/or other properties. In-silico analyses, including protein predictors and evolutionary conservation, support a deleterious effect. We interpret P265S as a variant of uncertain significance.